The following is an entry in ClinVar:

NM_001267550.2(TTN):c.90208_90209insSVAelement

Genes: TTN (titin; minus strand), TTN-AS1 (TTN antisense RNA 1; plus strand). Cytogenetic location: 2q31.2.
Variant type: Insertion.
Coding change: c.90208_90209insSVAelement on transcript NM_001267550.2; coding-DNA positions 90208 to 90209, an insertion.
Other names: NM_001267550.2:c.90208_90209insSVA.
Identifiers: ClinVar variation 870234 (VCV000870234.1).

ClinVar aggregate classification (germline): Likely pathogenic (1 of 4 stars; one submission).

Conditions:
Dilated cardiomyopathy 1G (CMD1G). Identifiers: Orphanet 154, MedGen C1858763, MONDO:0011400, OMIM 604145.
Autosomal recessive limb-girdle muscular dystrophy type 2J (LGMDR10). Also called: Limb-girdle muscular dystrophy, type 2J; MUSCULAR DYSTROPHY, LIMB-GIRDLE, AUTOSOMAL RECESSIVE 10. Identifiers: Orphanet 140922, MedGen C1837342, MONDO:0012127, OMIM 608807.

Submission:

Labcorp Genetics (formerly Invitae), Labcorp
Classification: Likely pathogenic for Dilated cardiomyopathy 1G; Limb-girdle muscular dystrophy, type 2J. Last evaluated: 2019-08-20. Review status: criteria provided, single submitter. Criteria: Invitae Variant Classification Sherloc (09022015). Collection method: clinical testing. Allele origin: germline.
Comment: This sequence change inserts a large fragment of DNA, likely a transposable element, in exon 335 of the TTN gene (c.90208_90209insSVA), causing a frameshift at codon 30069 (p.Arg30069fs). While this is not anticipated to result in nonsense mediated decay, it is expected to create a truncated TTN protein. This variant is not present in population databases (ExAC no frequency). This variant has not been reported in the literature in individuals with TTN-related conditions. This variant is located in the A band of TTN (PMID: 25589632). Truncating variants in this region are significantly overrepresented in patients affected with dilated cardiomyopathy (PMID: 25589632). Truncating variants in this region have also been reported in individuals affected with autosomal recessive centronuclear myopathy (PMID: 23975875). Retrotransposon insertions including LINE1 (L1), Alu, and SVA (SINE-VNTR-Alu) have been reported to be disease-causing through disruption of either a coding region or splice site (PMID: 19763152, 20307669, 22406018). In summary, the currently available evidence indicates that the variant is pathogenic, but additional data are needed to prove that conclusively. Therefore, this variant has been classified as Likely Pathogenic.

Literature cited by the submitters: PubMed 20307669; PubMed 23975875; PubMed 22406018; PubMed 25589632; PubMed 19763152.